The following is an entry in ClinVar:

NM_005591.4(MRE11):c.944C>T (p.Ala315Val)

Gene: MRE11 (MRE11 double strand break repair nuclease; minus strand). Cytogenetic location: 11q21.
Variant type: single nucleotide variant.
Coding change: c.944C>T on transcript NM_005591.4 (MANE Select); coding-DNA position 944, C replaced by T.
Protein change: p.Ala315Val; replaces alanine 315 with valine.
Molecular consequence: missense variant.
Genome position (GRCh38, 1-based): chr11:94,470,544, G>A on the plus strand (C>T on the coding strand, the complement: MRE11 is on the minus strand). VCF-style: chr11-94470544-G-A. GRCh37 (hg19) VCF-style: chr11-94203710-G-A.
Other names: c.944C>T, p.Ala315Val (NM_001440474.1, NM_001440475.1, NM_001440476.1 and 18 more transcripts); c.869C>T, p.Ala290Val (NM_001440479.1, NM_001440471.1, NM_001440472.1); c.599C>T, p.Ala200Val (NM_001440482.1, NM_001440483.1, NM_001440484.1); c.476C>T, p.Ala159Val (NM_001440487.1, NM_001440485.1, NM_001440486.1); short protein forms A159V, A290V, A315V, A200V.
Identifiers: ClinVar variation 4110090 (VCV004110090.1).

ClinVar aggregate classification (germline): Uncertain significance (1 of 4 stars; one submission).

Conditions:
Hereditary cancer-predisposing syndrome. Also called: Tumor predisposition; Neoplastic Syndromes, Hereditary; Hereditary neoplastic syndrome; Hereditary Cancer Syndrome. Identifiers: Orphanet 140162, MedGen C0027672, MeSH D009386, MONDO:0015356.

Submission:

Ambry Genetics
Classification: Uncertain significance for Hereditary cancer-predisposing syndrome. Last evaluated: 2025-07-28. Review status: criteria provided, single submitter. Criteria: Ambry Variant Classification Scheme 2023. Collection method: clinical testing. Allele origin: germline.
Comment: The p.A315V variant (also known as c.944C>T), located in coding exon 8 of the MRE11A gene, results from a C to T substitution at nucleotide position 944. The alanine at codon 315 is replaced by valine, an amino acid with similar properties. This amino acid position is conserved. In addition, the in silico prediction for this alteration is inconclusive. Based on the available evidence, the clinical significance of this variant remains unclear.